The following is an entry in ClinVar:

NM_017917.4(PPP2R3C):c.1310_1311dup (p.Ala438fs)

Genes: PPP2R3C (protein phosphatase 2 regulatory subunit B''gamma; minus strand), LOC101927178 (uncharacterized LOC101927178; plus strand). Cytogenetic location: 14q13.2.
Variant type: Microsatellite.
Coding change: c.1310_1311dup on transcript NM_017917.4 (MANE Select); coding-DNA positions 1310 to 1311, 2 bases duplicated (AG; older notation c.1310_1311dupAG).
Protein change: p.Ala438fs; shifts the reading frame from alanine 438.
Molecular consequence: frameshift variant. On other transcripts: non-coding transcript variant (1).
Genome position (GRCh38, 1-based): chr14:35,085,641-35,085,642, CT duplicated on the plus strand (AG on the coding strand, the reverse complement: PPP2R3C is on the minus strand); duplicating any 2 consecutive bases within chr14:35,085,641-35,085,646 gives the same sequence; the c. name uses the placement nearest the transcript's 3' end. VCF-style (leftmost placement, unchanged base first): chr14-35085640-C-CCT. GRCh37 (hg19) VCF-style: chr14-35554846-C-CCT.
Other names: c.980_981dup, p.Ala328fs (NM_001305155.2, NM_001305156.2); short protein forms A328fs, A438fs.
Identifiers: ClinVar variation 2664213 (VCV002664213.1), dbSNP rs2502932352, ClinGen allele CA2695199815.
Genomic context (GRCh38, chr14:35,085,640, plus strand): 5'-CTTTCAGAGATCATGTATCATCAAGGTCTGCAGAGTTTTCACTGTCATTTGCAACAAGAG[C>CCT]CTCTCTGTTCTCGTAAGTCCAGAAGCCATTCAAATCGATTAGAATGGTGGTTACTGTGTC-3'

ClinVar aggregate classification (germline): Uncertain significance (1 of 4 stars; one submission).

Conditions:
Gonadal dysgenesis, dysmorphic facies, retinal dystrophy, and myopathy. Also called: 46,XY agonadism with mental retardation, short stature, retarded bone age, and multiple extragenital malformations; Kennerknecht syndrome; MYOECTODERMAL GONADAL DYSGENESIS SYNDROME; BROSNAN-KENNERKNECHT-GURAN-KOC SYNDROME. Identifiers: MedGen C5193085, MONDO:0032738, OMIM 618419.

Submission:

Neuberg Centre For Genomic Medicine, NCGM
Classification: Uncertain significance for Gonadal dysgenesis, dysmorphic facies, retinal dystrophy, and myopathy. Review status: criteria provided, single submitter. Criteria: ACMG Guidelines, 2015. Collection method: clinical testing. Allele origin: germline. Inheritance: Autosomal recessive inheritance. Affected: yes.
Comment: The frameshift variant c.1310_1311dup (p.Ala438ArgfsTer20) in the PPP2R3C gene has not been reported previously as a pathogenic variant nor as a benign variant, to our knowledge. The variant is novel (not in any individuals) in gnomAD Exomes and 1000 Genomes. This variant causes a frameshift starting with codon Alanine 438, changes this amino acid to Arginine residue, and creates a premature Stop codon at position 20 of the new reading frame. This variant is predicted to cause a loss of normal protein function through protein truncation. Loss of function variants has been previously reported to be disease causing (Zhang et al., 2022). However, since this variant is present in the penultimate exon functional studies will be required to prove protein truncation. For these reasons, this variant has been classified as Uncertain Significance.